The following is an entry in ClinVar:

ClinVar aggregate classification (germline): Conflicting classifications of pathogenicity. Review status: criteria provided, conflicting classifications (1 of 4 stars). 3 submissions from 3 submitters: Uncertain significance (2); Likely benign (1). Last evaluated 2025-08-25.

Conditions:
Dilated cardiomyopathy 1DD (CMD1DD). Identifiers: Orphanet 154, MedGen C2750995, MONDO:0013168, OMIM 613172.
Cardiovascular phenotype. Identifiers: MedGen CN230736.

Allele frequency attached by ClinVar (database versions not stated): gnomAD 0.00001; gnomAD exomes 0.00001; TOPMed 0.00001.
gnomAD v4.1: 5 of 1,551,374 alleles (0.00032%); highest among the groups gnomAD compares: Non-Finnish European, 0.00044%; no homozygotes.

Submissions (3):

Labcorp Genetics (formerly Invitae), Labcorp
Classification: Uncertain significance for Dilated cardiomyopathy 1DD. Last evaluated: 2025-08-25. Review status: criteria provided, single submitter. Criteria: Invitae Variant Classification Sherloc (09022015). Collection method: clinical testing. Allele origin: germline.
Comment: This sequence change replaces leucine, which is neutral and non-polar, with proline, which is neutral and non-polar, at codon 745 of the RBM20 protein (p.Leu745Pro). This variant is present in population databases (no rsID available, gnomAD 0.002%). This variant has not been reported in the literature in individuals affected with RBM20-related conditions. ClinVar contains an entry for this variant (Variation ID: 657474). Invitae Evidence Modeling of protein sequence and biophysical properties (such as structural, functional, and spatial information, amino acid conservation, physicochemical variation, residue mobility, and thermodynamic stability) indicates that this missense variant is not expected to disrupt RBM20 protein function with a negative predictive value of 95%. In summary, the available evidence is currently insufficient to determine the role of this variant in disease. Therefore, it has been classified as a Variant of Uncertain Significance.

Ambry Genetics
Classification: Likely benign for Cardiovascular phenotype. Last evaluated: 2022-06-21. Review status: criteria provided, single submitter. Criteria: Ambry Variant Classification Scheme 2023. Collection method: clinical testing. Allele origin: germline.

Fulgent Genetics
Classification: Uncertain significance for Dilated cardiomyopathy 1DD. Last evaluated: 2021-10-12. Review status: criteria provided, single submitter. Criteria: ACMG Guidelines, 2015. Collection method: clinical testing. Allele origin: unknown.

NM_001134363.3(RBM20):c.2234T>C (p.Leu745Pro)

Gene: RBM20 (RNA binding motif protein 20; plus strand). Cytogenetic location: 10q25.2.
Variant type: single nucleotide variant.
Coding change: c.2234T>C on transcript NM_001134363.3 (MANE Select); coding-DNA position 2234, T replaced by C.
Protein change: p.Leu745Pro; replaces leucine 745 with proline.
Molecular consequence: missense variant.
Genome position (GRCh38, 1-based): chr10:110,812,631, T>C. VCF-style: chr10-110812631-T-C. GRCh37 (hg19) VCF-style: chr10-112572389-T-C.
Other names: c.2234T>C (NM_001134363.1); short protein forms L745P.
Identifiers: ClinVar variation 657474 (VCV000657474.10), dbSNP rs1361123068, ClinGen allele CA378372875.